The following is an entry in ClinVar:

ClinVar aggregate classification (germline): Uncertain significance (1 of 4 stars; one submission).

Conditions:
Hereditary spastic paraplegia 7 (SPG7). Also called: SPG7-related neurologic disorder; Autosomal recessive spastic paraplegia type 7; SPASTIC PARAPLEGIA 7, AUTOSOMAL RECESSIVE, WITH OR WITHOUT CEREBELLAR ATAXIA; Spastic paraplegia 7; Hereditary spastic paraplegia Paraplegin type. Identifiers: Orphanet 99013, MedGen C1846564, MONDO:0011803, OMIM 607259.

Allele frequency attached by ClinVar (database versions not stated): gnomAD 0.00001; TOPMed 0.00001.

Submission:

Labcorp Genetics (formerly Invitae), Labcorp
Classification: Uncertain significance for Hereditary spastic paraplegia 7. Last evaluated: 2019-04-02. Review status: criteria provided, single submitter. Criteria: Invitae Variant Classification Sherloc (09022015). Collection method: clinical testing. Allele origin: germline.
Comment: In summary, the available evidence is currently insufficient to determine the role of this variant in disease. Therefore, it has been classified as a Variant of Uncertain Significance. This variant has not been reported in the literature in individuals with SPG7-related conditions. The frequency data for this variant in the population databases is considered unreliable, as metrics indicate insufficient coverage at this position in the ExAC database. This sequence change replaces leucine with proline at codon 11 of the SPG7 protein (p.Leu11Pro). The leucine residue is weakly conserved and there is a moderate physicochemical difference between leucine and proline.

NM_003119.4(SPG7):c.32T>C (p.Leu11Pro)

Genes: SPG7 (SPG7 matrix AAA peptidase subunit, paraplegin; plus strand), LOC130059818 (ATAC-STARR-seq lymphoblastoid silent region 7911; plus strand). Cytogenetic location: 16q24.3.
Variant type: single nucleotide variant.
Coding change: c.32T>C on transcript NM_003119.4 (MANE Select); coding-DNA position 32, T replaced by C.
Protein change: p.Leu11Pro; replaces leucine 11 with proline.
Molecular consequence: missense variant.
Genome position (GRCh38, 1-based): chr16:89,508,449, T>C. VCF-style: chr16-89508449-T-C. GRCh37 (hg19) VCF-style: chr16-89574857-T-C.
Other names: c.32T>C, p.Leu11Pro (NM_001363850.1, NM_199367.3); short protein forms L11P.
Identifiers: ClinVar variation 854420 (VCV000854420.10), dbSNP rs943187212, ClinGen allele CA397415860.